The following is an entry in ClinVar:

NM_001136193.2(FASTKD2):c.1594+159G>A

Gene: FASTKD2 (FAST kinase domains 2; plus strand). Cytogenetic location: 2q33.3.
Variant type: single nucleotide variant.
Coding change: c.1594+159G>A on transcript NM_001136193.2 (MANE Select); 159 bases into the intron after coding-DNA position 1594, G replaced by A.
Molecular consequence: intron variant.
Genome position (GRCh38, 1-based): chr2:206,787,058, G>A. VCF-style: chr2-206787058-G-A. GRCh37 (hg19) VCF-style: chr2-207651782-G-A.
Other names: c.1594+159G>A (NM_001136194.2, NM_014929.4).
Identifiers: ClinVar variation 669738 (VCV000669738.2), dbSNP rs879472, ClinGen allele CA63727050.

ClinVar aggregate classification (germline): Benign. Review status: criteria provided, multiple submitters, no conflicts (2 of 4 stars). 2 submissions from 2 submitters: Benign (2). Last evaluated 2018-06-14.

Allele frequency attached by ClinVar (database versions not stated): 1000 Genomes Project 0.11681; 1000 Genomes Project 30x 0.12086; gnomAD 0.12311 and 0.12704; TOPMed 0.13070.

Submissions (2):

GeneDx
Classification: Benign. Last evaluated: 2018-06-14. Review status: criteria provided, single submitter. Criteria: GeneDx Variant Classification (06012015). Collection method: clinical testing. Allele origin: germline. Affected: yes.
Comment: This variant is considered likely benign or benign based on one or more of the following criteria: it is a conservative change, it occurs at a poorly conserved position in the protein, it is predicted to be benign by multiple in silico algorithms, and/or has population frequency not consistent with disease.

Breakthrough Genomics
Classification: Benign. Review status: criteria provided, single submitter. Criteria: ACMG Guidelines, 2015. Collection method: not provided. Allele origin: germline. Inheritance: Autosomal recessive inheritance. Affected: yes.